The following is an entry in ClinVar:

NM_003073.5(SMARCB1):c.653T>C (p.Phe218Ser)

Gene: SMARCB1 (SWI/SNF related BAF chromatin remodeling complex subunit B1; plus strand). Cytogenetic location: 22q11.23.
Variant type: single nucleotide variant.
Coding change: c.653T>C on transcript NM_003073.5 (MANE Select); coding-DNA position 653, T replaced by C.
Protein change: p.Phe218Ser; replaces phenylalanine 218 with serine.
Molecular consequence: missense variant.
Genome position (GRCh38, 1-based): chr22:23,816,794, T>C. VCF-style: chr22-23816794-T-C. GRCh37 (hg19) VCF-style: chr22-24158981-T-C.
Other names: c.626T>C, p.Phe209Ser (NM_001007468.3); c.680T>C, p.Phe227Ser (NM_001317946.2); c.707T>C, p.Phe236Ser (NM_001362877.2); short protein forms F209S, F218S, F236S, F227S.
Identifiers: ClinVar variation 5029912 (VCV005029912.1).

ClinVar aggregate classification (germline): Uncertain significance (1 of 4 stars; one submission).

Conditions:
Hereditary cancer-predisposing syndrome. Also called: Neoplastic Syndromes, Hereditary; Tumor predisposition; Hereditary neoplastic syndrome; Hereditary Cancer Syndrome. Identifiers: Orphanet 140162, MedGen C0027672, MeSH D009386, MONDO:0015356.

Submission:

Ambry Genetics
Classification: Uncertain significance for Hereditary cancer-predisposing syndrome. Last evaluated: 2026-07-12. Review status: criteria provided, single submitter. Criteria: Ambry Variant Classification Scheme 2023. Collection method: clinical testing. Allele origin: germline.
Comment: The p.F218S variant (also known as c.653T>C), located in coding exon 6 of the SMARCB1 gene, results from a T to C substitution at nucleotide position 653. The phenylalanine at codon 218 is replaced by serine, an amino acid with highly dissimilar properties. This amino acid position is conserved. In addition, this alteration is predicted to be deleterious by in silico analysis. Based on the available evidence, the clinical significance of this variant remains unclear.